The following is an entry in ClinVar:

NM_001171613.2(PREPL):c.1771ATT[1] (p.Ile592del)

Genes: PREPL (prolyl endopeptidase like; minus strand), SLC3A1 (solute carrier family 3 member 1; plus strand). Cytogenetic location: 2p21.
Variant type: Microsatellite.
Coding change: c.1771ATT[1] on transcript NM_001171613.2 (MANE Select); one copy of the 3-base unit ATT starting at c.1771; the reference has two copies in a row; one copy, 3 bases deleted.
Protein change: p.Ile592del; deletes isoleucine 592.
Molecular consequence: inframe deletion.
Genome position (GRCh38, 1-based): chr2:44,321,878-44,321,880, AAT deleted on the plus strand (ATT on the coding strand, the reverse complement: PREPL is on the minus strand); deleting any 3 consecutive bases within chr2:44,321,878-44,321,884 gives the same sequence; the position shown is the placement nearest the transcript's 3' end. VCF-style (leftmost placement, unchanged base first): chr2-44321877-GAAT-G. GRCh37 (hg19) VCF-style: chr2-44549016-GAAT-G.
Other names: c.1852ATT[1], p.Ile619del (NM_001042385.2); c.1840ATT[1], p.Ile615del (NM_001042386.2); c.2038ATT[1], p.Ile681del (NM_001171603.1, NM_001171606.2, NM_001374275.1 and 2 more transcripts); c.1771ATT[1], p.Ile592del (NM_001171617.1, NM_001374277.1); short protein forms I681del, I615del, I592del, I619del.
Identifiers: ClinVar variation 1385786 (VCV001385786.3), dbSNP rs777599665, ClinGen allele CA1640952.

ClinVar aggregate classification (germline): Uncertain significance (1 of 4 stars; one submission).

Conditions:
Myasthenic syndrome, congenital, 22 (CMS22). Also called: PREPL DEFICIENCY. Identifiers: MedGen C4479088, MONDO:0044299, OMIM 616224.

Submission:

Labcorp Genetics (formerly Invitae), Labcorp
Classification: Uncertain significance for Myasthenic syndrome, congenital, 22. Last evaluated: 2022-06-13. Review status: criteria provided, single submitter. Criteria: Invitae Variant Classification Sherloc (09022015). Collection method: clinical testing. Allele origin: germline.
Comment: This variant, c.2041_2043del, results in the deletion of 1 amino acid(s) of the PREPL protein (p.Ile681del), but otherwise preserves the integrity of the reading frame. This variant is present in population databases (rs777599665, gnomAD 0.02%). This variant has not been reported in the literature in individuals affected with PREPL-related conditions. Experimental studies and prediction algorithms are not available or were not evaluated, and the functional significance of this variant is currently unknown. In summary, the available evidence is currently insufficient to determine the role of this variant in disease. Therefore, it has been classified as a Variant of Uncertain Significance.